The following is an entry in ClinVar:

NM_001199397.3(NEK1):c.1876G>A (p.Ala626Thr)

Gene: NEK1 (NIMA related kinase 1; minus strand). Cytogenetic location: 4q33.
Variant type: single nucleotide variant.
Coding change: c.1876G>A on transcript NM_001199397.3 (MANE Select); coding-DNA position 1876, G replaced by A.
Protein change: p.Ala626Thr; replaces alanine 626 with threonine.
Molecular consequence: missense variant. On other transcripts: non-coding transcript variant (1).
Genome position (GRCh38, 1-based): chr4:169,507,750, C>T on the plus strand (G>A on the coding strand, the complement: NEK1 is on the minus strand). VCF-style: chr4-169507750-C-T. GRCh37 (hg19) VCF-style: chr4-170428901-C-T.
Other names: p.Ala626Thr; c.1744G>A, p.Ala582Thr (NM_001199398.3); c.1585G>A, p.Ala529Thr (NM_001199399.3); c.1660G>A, p.Ala554Thr (NM_001199400.3); c.1876G>A, p.Ala626Thr (NM_001374418.1); c.1792G>A, p.Ala598Thr (NM_001374419.1, NM_012224.4); c.1741G>A, p.Ala581Thr (NM_001374420.1); c.1666G>A, p.Ala556Thr (NM_001374421.1); and 1 more; short protein forms A598T, A626T, A554T, A582T, A529T, A556T, A581T.
Identifiers: ClinVar variation 348108 (VCV000348108.26), dbSNP rs33933790, ClinGen allele CA3137597.
Genomic context (GRCh38, chr4:169,507,750, plus strand): 5'-AACCTGTATCATTTCTAGTCTATACCTTCAGTGATTCGATTTTTTTGCGCCTCATGTCAG[C>T]CTCTTCACTTCCTTCTTGTCCTTCAGAATGATTAGCTTCTTTCTACAAAATAAGTAGATA-3'
Protein context (NP_001186326.1, residues 616-636): HSEGQEGSEE[Ala626Thr]DMRRKKIESL

ClinVar aggregate classification (germline): Benign. Review status: criteria provided, multiple submitters, no conflicts (2 of 4 stars). 6 submissions from 6 submitters: Benign (6). Last evaluated 2026-02-02.

Conditions:
Short-rib thoracic dysplasia 6 with or without polydactyly (SRTD6). Also called: POLYDACTYLY WITH NEONATAL CHONDRODYSTROPHY, TYPE II; Majewski Syndrome; SHORT RIB-POLYDACTYLY SYNDROME, TYPE IIA; SHORT-RIB THORACIC DYSPLASIA 6 WITH POLYDACTYLY; SHORT-RIB THORACIC DYSPLASIA 6 WITHOUT POLYDACTYLY. Identifiers: MedGen C0024507, MONDO:0009894, OMIM 263520.

Allele frequency attached by ClinVar (database versions not stated): 1000 Genomes Project 0.02376; 1000 Genomes Project 30x 0.02545; TOPMed 0.04966; gnomAD 0.05048 and 0.05183; gnomAD exomes 0.05113 and 0.06822; ExAC 0.05257; ESP Exome Variant Server 0.06052.
gnomAD v4.1: 106,923 of 1,611,368 alleles (6.6%); highest among the groups gnomAD compares: Non-Finnish European, 7.9%; 4,165 homozygotes.

Submissions (6):

Labcorp Genetics (formerly Invitae), Labcorp
Classification: Benign for Short-rib thoracic dysplasia 6 with or without polydactyly. Last evaluated: 2026-02-02. Review status: criteria provided, single submitter. Criteria: Invitae Variant Classification Sherloc (09022015). Collection method: clinical testing. Allele origin: germline.

ARUP Laboratories, Molecular Genetics and Genomics, ARUP Laboratories
Classification: Benign. Last evaluated: 2025-07-22. Review status: criteria provided, single submitter. Criteria: ARUP Molecular Germline Variant Investigation Process 2024. Collection method: clinical testing. Allele origin: germline.

Mayo Clinic Laboratories, Mayo Clinic
Classification: Benign. Last evaluated: 2023-01-29. Review status: criteria provided, single submitter. Criteria: ACMG Guidelines, 2015. Collection method: clinical testing. Allele origin: germline. Observed: 10 variant alleles.

Illumina Laboratory Services, Illumina
Classification: Benign for Short-rib thoracic dysplasia 6 with or without polydactyly. Last evaluated: 2018-01-12. Review status: criteria provided, single submitter. Criteria: ICSL Variant Classification Criteria 13 December 2019. Collection method: clinical testing. Allele origin: germline.
Comment: This variant was observed in the ICSL laboratory as part of a predisposition screen in an ostensibly healthy population. It had not been previously curated by ICSL or reported in the Human Gene Mutation Database (HGMD: prior to June 1st, 2018), and was therefore a candidate for classification through an automated scoring system. Utilizing variant allele frequency, disease prevalence and penetrance estimates, and inheritance mode, an automated score was calculated to assess if this variant is too frequent to cause the disease. Based on the score and internal cut-off values, a variant classified as benign is not then subjected to further curation. The score for this variant resulted in a classification of benign for this disease.

GeneDx
Classification: Benign. Last evaluated: 2016-09-02. Review status: criteria provided, single submitter. Criteria: GeneDx Variant Classification (06012015). Collection method: clinical testing. Allele origin: germline. Affected: yes.
Comment: This variant is considered likely benign or benign based on one or more of the following criteria: it is a conservative change, it occurs at a poorly conserved position in the protein, it is predicted to be benign by multiple in silico algorithms, and/or has population frequency not consistent with disease.

Breakthrough Genomics
Classification: Benign. Review status: criteria provided, single submitter. Criteria: ACMG Guidelines, 2015. Collection method: not provided. Allele origin: germline. Inheritance: Autosomal recessive inheritance. Affected: yes.